The following is an entry in ClinVar:

ClinVar aggregate classification (germline): Pathogenic (1 of 4 stars; one submission).

Conditions:
Neurofibromatosis, type 1 (NF1). Also called: VON RECKLINGHAUSEN DISEASE; Peripheral type neurofibromatosis; NEUROFIBROMATOSIS, TYPE I, SOMATIC; Neurofibromatosis, type I. Identifiers: Orphanet 636, MedGen C0027831, MONDO:0018975, OMIM 162200. Disease mechanism: loss of function.

Submission:

Labcorp Genetics (formerly Invitae), Labcorp
Classification: Pathogenic for Neurofibromatosis, type 1. Last evaluated: 2025-08-05. Review status: criteria provided, single submitter. Criteria: Invitae Variant Classification Sherloc (09022015). Collection method: clinical testing. Allele origin: germline.
Comment: This sequence change creates a premature translational stop signal (p.Gly772*) in the NF1 gene. It is expected to result in an absent or disrupted protein product. Loss-of-function variants in NF1 are known to be pathogenic (PMID: 10712197, 23913538). This variant is not present in population databases (gnomAD no frequency). This variant has not been reported in the literature in individuals affected with NF1-related conditions. ClinVar contains an entry for this variant (Variation ID: 1071781). Algorithms developed to predict the effect of sequence changes on RNA splicing suggest that this variant may disrupt the consensus splice site. For these reasons, this variant has been classified as Pathogenic.

Literature cited by the submitters: PubMed 10712197; PubMed 23913538.

NM_001042492.3(NF1):c.2314G>T (p.Gly772Ter)

Gene: NF1 (neurofibromin 1; plus strand). Cytogenetic location: 17q11.2.
Variant type: single nucleotide variant.
Coding change: c.2314G>T on transcript NM_001042492.3 (MANE Select); coding-DNA position 2314, G replaced by T.
Protein change: p.Gly772Ter; replaces glycine 772 with a stop codon.
Molecular consequence: nonsense.
Genome position (GRCh38, 1-based): chr17:31,227,280, G>T. VCF-style: chr17-31227280-G-T. GRCh37 (hg19) VCF-style: chr17-29554298-G-T.
Other names: c.2314G>T, p.Gly772Ter (NM_000267.4); short protein forms G772*.
Identifiers: ClinVar variation 1071781 (VCV001071781.5), dbSNP rs2151426983, ClinGen allele CA398982900.
Genomic context (GRCh38, chr17:31,227,280, plus strand): 5'-AGAGCAGCACTTCAGAAAAGAGTGATGGCACTGCTGAGGCGCATTGAGCATCCCACTGCA[G>T]GAAACACTGAGGTATGCCCTTAGCAACAGAAACACCCCTCCCAGGCGCCCACCCTCAATT-3'